The following is an entry in ClinVar:

NM_007194.4(CHEK2):c.1310A>G (p.Lys437Arg)

Gene: CHEK2 (checkpoint kinase 2; minus strand). Cytogenetic location: 22q12.1.
Variant type: single nucleotide variant.
Coding change: c.1310A>G on transcript NM_007194.4 (MANE Select); coding-DNA position 1310, A replaced by G.
Protein change: p.Lys437Arg; replaces lysine 437 with arginine.
Molecular consequence: missense variant.
Genome position (GRCh38, 1-based): chr22:28,695,192, T>C on the plus strand (A>G on the coding strand, the complement: CHEK2 is on the minus strand). VCF-style: chr22-28695192-T-C. GRCh37 (hg19) VCF-style: chr22-29091180-T-C.
Other names: c.1439A>G, p.Lys480Arg (NM_001005735.3); c.647A>G, p.Lys216Arg (NM_001257387.3); c.1109A>G, p.Lys370Arg (NM_001349956.3); c.1223A>G, p.Lys408Arg (NM_145862.3); short protein forms K408R, K480R, K216R, K437R, K370R.
Identifiers: ClinVar variation 3663004 (VCV003663004.2).
Genomic context (GRCh38, chr22:28,695,192, plus strand): 5'-TCTGAGACTTCTGCCCAGACTTCAGGAATGAAGTTGTATTTTCCACTGGTGATCTGATCC[T>C]TCAGTGACACTTGAGTCCTATGCTCAGAGAAAGGTGGATACCCACTAAGGCTTAATATTG-3'
Protein context (NP_009125.1, residues 427-447): FSEHRTQVSL[Lys437Arg]DQITSGKYNF

ClinVar aggregate classification (germline): Uncertain significance (1 of 4 stars; one submission).

Conditions:
Familial cancer of breast. Also called: Hereditary breast cancer; hereditary breast carcinoma; BREAST CANCER, FAMILIAL. Identifiers: Orphanet 227535, MedGen C0346153, MONDO:0016419, OMIM 114480. Disease mechanism: loss of function.

Submission:

Labcorp Genetics (formerly Invitae), Labcorp
Classification: Uncertain significance for Familial cancer of breast. Last evaluated: 2024-08-20. Review status: criteria provided, single submitter. Criteria: Invitae Variant Classification Sherloc (09022015). Collection method: clinical testing. Allele origin: germline.
Comment: This sequence change replaces lysine, which is basic and polar, with arginine, which is basic and polar, at codon 437 of the CHEK2 protein (p.Lys437Arg). This variant is not present in population databases (gnomAD no frequency). This variant has not been reported in the literature in individuals affected with CHEK2-related conditions. An algorithm developed to predict the effect of missense changes on protein structure and function (PolyPhen-2) suggests that this variant is likely to be tolerated. In summary, the available evidence is currently insufficient to determine the role of this variant in disease. Therefore, it has been classified as a Variant of Uncertain Significance.